The following is an entry in ClinVar:

ClinVar aggregate classification (germline): Uncertain significance. Review status: criteria provided, multiple submitters, no conflicts (2 of 4 stars). 2 submissions from 2 submitters: Uncertain significance (2). Last evaluated 2025-10-21.

Allele frequency attached by ClinVar (database versions not stated): 1000 Genomes Project 0.00020; 1000 Genomes Project 30x 0.00031.
gnomAD v4.1: 65 of 1,262,806 alleles (0.0051%); highest among the groups gnomAD compares: Admixed American, 0.026%; no homozygotes.

Submissions (2):

Labcorp Genetics (formerly Invitae), Labcorp
Classification: Uncertain significance. Last evaluated: 2025-10-21. Review status: criteria provided, single submitter. Criteria: Invitae Variant Classification Sherloc (09022015). Collection method: clinical testing. Allele origin: germline.
Comment: This sequence change replaces alanine, which is neutral and non-polar, with threonine, which is neutral and polar, at codon 17 of the SUCLG2 protein (p.Ala17Thr). The frequency data for this variant in the population databases is considered unreliable, as metrics indicate poor data quality at this position in the gnomAD database. This variant has not been reported in the literature in individuals affected with SUCLG2-related conditions. ClinVar contains an entry for this variant (Variation ID: 2918005). An algorithm developed to predict the effect of missense changes on protein structure and function (PolyPhen-2) suggests that this variant is likely to be tolerated. In summary, the available evidence is currently insufficient to determine the role of this variant in disease. Therefore, it has been classified as a Variant of Uncertain Significance.

Ambry Genetics
Classification: Uncertain significance. Last evaluated: 2023-12-16. Review status: criteria provided, single submitter. Criteria: Ambry Variant Classification Scheme 2023. Collection method: clinical testing. Allele origin: germline.

NM_003848.4(SUCLG2):c.49G>A (p.Ala17Thr)

Gene: SUCLG2 (succinate-CoA ligase GDP-forming subunit beta; minus strand). Cytogenetic location: 3p14.1.
Variant type: single nucleotide variant.
Coding change: c.49G>A on transcript NM_003848.4 (MANE Select); coding-DNA position 49, G replaced by A.
Protein change: p.Ala17Thr; replaces alanine 17 with threonine.
Molecular consequence: missense variant.
Genome position (GRCh38, 1-based): chr3:67,654,538, C>T on the plus strand (G>A on the coding strand, the complement: SUCLG2 is on the minus strand). VCF-style: chr3-67654538-C-T. GRCh37 (hg19) VCF-style: chr3-67704962-C-T.
Other names: c.49G>A (NM_001177599.1); c.49G>A, p.Ala17Thr (NM_001177599.2); short protein forms A17T.
Identifiers: ClinVar variation 2918005 (VCV002918005.4), dbSNP rs545712994, ClinGen allele CA2486163.